The following is an entry in ClinVar:

ClinVar aggregate classification (germline): Pathogenic/Likely pathogenic. Review status: criteria provided, multiple submitters, no conflicts (2 of 4 stars). 17 submissions from 17 submitters: Pathogenic (13); Likely pathogenic (1). 3 of the submissions do not count toward it. Last evaluated 2026-07-07.

Conditions:
GLDC-related disorders.
GLDC-related disorder. Also called: GLDC-related condition.
Global developmental delay (DD). Also called: Cognitive delay. Identifiers: MedGen C0557874, HP:0001263. Disease mechanism: loss of function.
Obesity. Also called: Obesity disorder. Identifiers: Orphanet 71529, MedGen C0028754, MeSH D009765, MONDO:0011122, HP:0001513.
Generalized epilepsy. Identifiers: MedGen C0014548, MONDO:0100574.
Glycine encephalopathy 1 (GCE1). Identifiers: MedGen CN376801, MONDO:0958179, OMIM 605899.
Fetal anomalies with a likely genetic cause.
Glycine encephalopathy. Also called: Non-ketotic hyperglycinemia; Nonketotic hyperglycinemia. Identifiers: Orphanet 407, MedGen C0751748, MONDO:0011612, HP:0008288.

Allele frequency attached by ClinVar (database versions not stated): TOPMed 0.00012.
gnomAD v4.1: 528 of 1,610,010 alleles (0.033%); highest among the groups gnomAD compares: Non-Finnish European, 0.044%; no homozygotes.

Submissions 1 to 12 of 17:

Genetics Laboratory, Great Ormond Street Hospital NHS Foundation Trust, North Thames Genomic Laboratory Hub
Classification: Likely pathogenic for Fetal anomalies with a likely genetic cause. Last evaluated: 2026-07-07. Review status: criteria provided, single submitter. Criteria: ACGS Best Practice Guidelines for Variant Classification in Rare Disease 2024 v1.2. Collection method: clinical testing. Allele origin: germline. Affected: yes.
Comment: PS4_moderate, PM2_moderate, PP3_supporting, PS3_moderate, PM3_moderate

Labcorp Genetics (formerly Invitae), Labcorp
Classification: Pathogenic for Glycine encephalopathy. Last evaluated: 2026-01-21. Review status: criteria provided, single submitter. Criteria: Invitae Variant Classification Sherloc (09022015). Collection method: clinical testing. Allele origin: germline.
Comment: This sequence change replaces arginine, which is basic and polar, with serine, which is neutral and polar, at codon 515 of the GLDC protein (p.Arg515Ser). This variant is present in population databases (rs121964976, gnomAD 0.02%). This missense change has been observed in individual(s) with glycine encephalopathy (nonketotic hyperglycininemia) (PMID: 10873393, 11286506, 12126939, 17361008, 26179960; internal data). In at least one individual the data is consistent with being in trans (on the opposite chromosome) from a pathogenic variant. ClinVar contains an entry for this variant (Variation ID: 11985). Invitae Evidence Modeling of protein sequence and biophysical properties (such as structural, functional, and spatial information, amino acid conservation, physicochemical variation, residue mobility, and thermodynamic stability) indicates that this missense variant is expected to disrupt GLDC protein function with a positive predictive value of 95%. For these reasons, this variant has been classified as Pathogenic.

Natera, Inc.
Classification: Pathogenic for Non-ketotic hyperglycinemia. Last evaluated: 2025-08-19. Review status: criteria provided, single submitter. Criteria: Natera Variant Classification Schema (03/2026). Collection method: clinical testing. Allele origin: germline.
Comment: The c.1545G>C variant in GLDC is a missense variant predicted to cause substitution of arginine to serine at amino acid 515. This variant is rare in the general population with a frequency below the threshold expected for the associated phenotype(s). This variant has been observed in one or more individuals affected with the associated recessive disease, as either homozygous or compound heterozygous with a second variant (PMID: 26179960). Given the available evidence, this variant is classified as Pathogenic.

Blueprint Genetics
Classification: Pathogenic for GLDC-related disorders. Last evaluated: 2024-11-05. Review status: criteria provided, single submitter. Criteria: ACMG Guidelines, 2015. Collection method: clinical testing. Allele origin: germline. Affected: yes. Observed: 5 variant alleles.

PreventionGenetics, part of Exact Sciences
Classification: Pathogenic for GLDC-related condition. Last evaluated: 2024-11-02. Review status: criteria provided, single submitter. Criteria: ACMG Guidelines, 2015. Collection method: clinical testing. Allele origin: germline.
Comment: The GLDC c.1545G>C variant is predicted to result in the amino acid substitution p.Arg515Ser. This variant is one of the most common pathogenic variants for non-ketotic hyperglycinaemia, also known as glycine encephalopathy (Toone et al. 2000. PubMed ID: 10873393; Coughlin et al. 2017. PubMed ID: 27362913; Van Hove et al. 2019. PubMed ID: 20301531). Experimental studies indicate the p.Arg515Ser substitution impairs enzyme stability and function (Toone et al. 2000. PubMed ID: 10873393; Swanson et al. 2015. PubMed ID: 26179960). It is reported in 0.019% of alleles in individuals of European (Non-Finnish) descent in gnomAD. This variant is interpreted as pathogenic.

Fulgent Genetics
Classification: Pathogenic for Glycine encephalopathy 1. Last evaluated: 2024-03-04. Review status: criteria provided, single submitter. Criteria: ACMG Guidelines, 2015. Collection method: clinical testing. Allele origin: germline.

Baylor Genetics
Classification: Pathogenic for Glycine encephalopathy 1. Last evaluated: 2023-08-01. Review status: criteria provided, single submitter. Criteria: ACMG Guidelines, 2015. Collection method: clinical testing. Allele origin: unknown.

GeneDx
Classification: Pathogenic. Last evaluated: 2022-05-02. Review status: criteria provided, single submitter. Criteria: GeneDx Variant Classification Process June 2021. Collection method: clinical testing. Allele origin: germline. Affected: yes.
Comment: Published functional studies demonstrate a damaging effect with significant impairment of enzyme function (Swanson et al., 2015); In-silico analyses, including protein predictors and evolutionary conservation, support a deleterious effect; This variant is associated with the following publications: (PMID: 10873393, 11286506, 15272469, 33524012, 26179960, 12126939, 15670722, 28794088, 20301531, 17361008, 32421718, 27362913)

HudsonAlpha Institute for Biotechnology
Classification: Pathogenic for Glycine encephalopathy 1. Last evaluated: 2021-04-26. Review status: criteria provided, single submitter. Criteria: ACMG Guidelines, 2015. Collection method: research. Allele origin: paternal. Affected: yes. Observed: 1 variant allele. Study: HudsonAlpha-AGHI-WGS.
Comment: ACMG codes:PS3, PS4, PM2, PM3, PP3, PP5

Revvity Omics, Revvity
Classification: Pathogenic for Glycine encephalopathy 1. Last evaluated: 2019-01-02. Review status: criteria provided, single submitter. Criteria: ACMG Guidelines, 2015. Collection method: clinical testing. Allele origin: germline.

Illumina Laboratory Services, Illumina
Classification: Pathogenic for Glycine encephalopathy 1. Last evaluated: 2018-10-31. Review status: criteria provided, single submitter. Criteria: ICSL Variant Classification Criteria 09 May 2019. Collection method: clinical testing. Allele origin: germline.
Comment: The GLDC c.1545G>C (p.Arg515Ser) variant has been reported in five studied and was found in a total of 60 probands including four in a homozygous state, 48 in a compound heterozygous state, and 11 in a heterozygous state with an undetected second allele (Toone et al. 2000; Toone et al. 2001, Sellner et al. 2005; Kanno et al. 2007; Coughlin et al. 2016). A large deletion may not have been identified in the heterozygous probands with the testing methods used (Toone et al. 2001, Sellner et al. 2005). The p.Arg515Ser variant is identified as a founder variant in the United Kingdom (Coughlin et al. 2016). Control data are unavailable for the p.Arg515Ser variant, which is reported at a frequency of 0.000189 in the European (non-Finnish) population of the Genome Aggregation Database. The crystal structure of the p.Arg515Ser variant predicts the variant protein to be destabilized (Nakai et al. 2005). Based on the evidence, the p.Arg515Ser variant is classified as pathogenic for glycine encephalopathy. This variant was observed by ICSL as part of a predisposition screen in an ostensibly healthy population.

Women's Health and Genetics/Laboratory Corporation of America, LabCorp
Classification: Pathogenic for Non-ketotic hyperglycinemia. Last evaluated: 2018-06-29. Review status: criteria provided, single submitter. Criteria: LabCorp Variant Classification Summary - May 2015. Collection method: clinical testing. Allele origin: germline.
Comment: Variant summary: GLDC c.1545G>C (p.Arg515Ser) results in a non-conservative amino acid change in the encoded protein sequence. Five of five in-silico tools predict a damaging effect of the variant on protein function. The variant allele was found at a frequency of 9e-05 in 277284 control chromosomes (gnomAD and publication). The variant, c.1545G>C, has been reported in the literature in multiple individuals affected with Glycine Encephalopathy (Non-Ketotic Hyperglycinemia)(Sellner_2005, Toone_2001). It has also been reported as a commonly observed missesne variant present in six percent of all GLDC alleles (PMID: 27362913, Coughlin et al, 2017). These data indicate that the variant is very likely to be associated with disease. At least one publication reports experimental evidence evaluating an impact on protein function. The most pronounced variant effect results in <10% of normal activity. Two ClinVar submissions from clinical diagnostic laboratories (evaluation after 2014) cite the variant as "pathogenic." Based on the evidence outlined above, the variant was classified as pathogenic.

NM_000170.3(GLDC):c.1545G>C (p.Arg515Ser)

Gene: GLDC (glycine decarboxylase; minus strand). Cytogenetic location: 9p24.1.
Variant type: single nucleotide variant.
Coding change: c.1545G>C on transcript NM_000170.3 (MANE Select); coding-DNA position 1545, G replaced by C.
Protein change: p.Arg515Ser; replaces arginine 515 with serine.
Molecular consequence: missense variant.
Genome position (GRCh38, 1-based): chr9:6,589,230, C>G on the plus strand (G>C on the coding strand, the complement: GLDC is on the minus strand). VCF-style: chr9-6589230-C-G. GRCh37 (hg19) VCF-style: chr9-6589230-C-G.
Other names: short protein forms R515S.
Identifiers: ClinVar variation 11985 (VCV000011985.40), dbSNP rs121964976, ClinGen allele CA341167.
Genomic context (GRCh38, chr9:6,589,230, plus strand): 5'-CAGAAGTCACACAAGACACACAAACCTGTTGAACACTTGATGGGTGAGGAACGGGCTGGT[C>G]CTCTTGAACACAGACCCTGGAATACCTCTGCACTCCTCTCCCATGCTTTCAGCAACCAGT-3'
Protein context (NP_000161.2, residues 505-525): CRGIPGSVFK[Arg515Ser]TSPFLTHQVF